The following is an entry in ClinVar:

ClinVar aggregate classification (germline): Likely pathogenic (1 of 4 stars; one submission).

Conditions:
Hereditary factor IX deficiency disease (HEMB). Also called: Christmas Disease; F9 DEFICIENCY; FACTOR IX DEFICIENCY; PLASMA THROMBOPLASTIN COMPONENT DEFICIENCY; Hemophilia B. Identifiers: Orphanet 98879, MedGen C0008533, MeSH D002836, MONDO:0010604, OMIM 306900.
Thrombophilia, X-linked, due to factor 9 defect. Identifiers: MedGen C2749016, MONDO:0010432, OMIM 300807.

Submission:

Labcorp Genetics (formerly Invitae), Labcorp
Classification: Likely pathogenic for Thrombophilia, X-linked, due to factor 9 defect; Hereditary factor IX deficiency disease. Last evaluated: 2025-02-06. Review status: criteria provided, single submitter. Criteria: Invitae Variant Classification Sherloc (09022015). Collection method: clinical testing. Allele origin: germline.
Comment: This sequence change replaces aspartic acid, which is acidic and polar, with glutamic acid, which is acidic and polar, at codon 315 of the F9 protein (p.Asp315Glu). This variant is not present in population databases (gnomAD no frequency). This missense change has been observed in individuals with hemophilia B (PMID: 7937052; internal data). This variant is also known as D269E. Invitae Evidence Modeling of protein sequence and biophysical properties (such as structural, functional, and spatial information, amino acid conservation, physicochemical variation, residue mobility, and thermodynamic stability) indicates that this missense variant is expected to disrupt F9 protein function with a positive predictive value of 80%. This variant disrupts the p.Asp315 amino acid residue in F9. Other variant(s) that disrupt this residue have been determined to be pathogenic (PMID: 7937052, 19699296, 22544209). This suggests that this residue is clinically significant, and that variants that disrupt this residue are likely to be disease-causing. In summary, the currently available evidence indicates that the variant is pathogenic, but additional data are needed to prove that conclusively. Therefore, this variant has been classified as Likely Pathogenic.

Literature cited by the submitters: PubMed 7937052; PubMed 19699296; PubMed 22544209.

NM_000133.4(F9):c.945C>A (p.Asp315Glu)

Gene: F9 (coagulation factor IX; plus strand). Cytogenetic location: Xq27.1.
Variant type: single nucleotide variant.
Coding change: c.945C>A on transcript NM_000133.4 (MANE Select); coding-DNA position 945, C replaced by A.
Protein change: p.Asp315Glu; replaces aspartic acid 315 with glutamic acid.
Molecular consequence: missense variant.
Genome position (GRCh38, 1-based): chrX:139,561,630, C>A. VCF-style: chrX-139561630-C-A. GRCh37 (hg19) VCF-style: chrX-138643789-C-A.
Other names: c.831C>A, p.Asp277Glu (NM_001313913.2); short protein forms D277E, D315E.
Identifiers: ClinVar variation 4783890 (VCV004783890.1).
Genomic context (GRCh38, chrX:139,561,630, plus strand): 5'-TGTGATTCGAATTATTCCTCACCACAACTACAATGCAGCTATTAATAAGTACAACCATGA[C>A]ATTGCCCTTCTGGAACTGGACGAACCCTTAGTGCTAAACAGCTACGTTACACCTATTTGC-3'
Protein context (NP_000124.1, residues 305-325): YNAAINKYNH[Asp315Glu]IALLELDEPL